The following is an entry in ClinVar:

NM_206933.4(USH2A):c.4251+1del

Genes: USH2A (usherin; minus strand), USH2A-AS1 (USH2A antisense RNA 1; plus strand). Cytogenetic location: 1q41.
Variant type: Deletion.
Coding change: c.4251+1del on transcript NM_206933.4 (MANE Select); the canonical splice donor site of the intron after coding-DNA position 4251, one base deleted (G; older notation c.4251+1delG).
Molecular consequence: splice donor variant.
Genome position (GRCh38, 1-based): chr1:216,196,552, C deleted on the plus strand (G on the coding strand, the reverse complement: USH2A is on the minus strand); the first of 2 consecutive C bases (chr1:216,196,552-216,196,553); deleting either gives the same sequence. VCF-style (leftmost placement, unchanged base first): chr1-216196551-AC-A. GRCh37 (hg19) VCF-style: chr1-216369893-AC-A.
Other names: c.4251+1del (NM_007123.6); c.4251+1delG (NM_206933.2).
Identifiers: ClinVar variation 1069779 (VCV001069779.13), dbSNP rs2102460236, ClinGen allele CA2499214520.

ClinVar aggregate classification (germline): Pathogenic/Likely pathogenic. Review status: criteria provided, multiple submitters, no conflicts (2 of 4 stars). 5 submissions from 4 submitters: Pathogenic (2); Likely pathogenic (3). Last evaluated 2023-04-11.

Conditions:
Usher syndrome. Also called: Usher's syndrome; Usher Syndromes. Identifiers: Orphanet 886, MedGen CN469326, MeSH D052245, MONDO:0019501. Disease mechanism: loss of function.
Retinitis pigmentosa 39 (RP39). Identifiers: Orphanet 791, MedGen C3151138, MONDO:0013436, OMIM 613809.
Usher syndrome type 2A. Also called: RETINAL DISEASE IN USHER SYNDROME TYPE IIA, MODIFIER OF; USHER SYNDROME, TYPE IIA. Identifiers: Orphanet 231178, Orphanet 886, MedGen C1848634, MONDO:0010169, OMIM 276901.

Submissions (5):

Genome-Nilou Lab
Classification: Likely pathogenic for Retinitis pigmentosa 39. Last evaluated: 2023-04-11. Review status: criteria provided, single submitter. Criteria: ACMG Guidelines, 2015. Collection method: clinical testing. Allele origin: germline. Affected: no.

Genome-Nilou Lab
Classification: Likely pathogenic for Usher syndrome type 2A. Last evaluated: 2023-04-11. Review status: criteria provided, single submitter. Criteria: ACMG Guidelines, 2015. Collection method: clinical testing. Allele origin: germline. Affected: no.

Women's Health and Genetics/Laboratory Corporation of America, LabCorp
Classification: Likely pathogenic for Usher syndrome. Last evaluated: 2023-01-21. Review status: criteria provided, single submitter. Criteria: LabCorp Variant Classification Summary - May 2015. Collection method: clinical testing. Allele origin: germline.
Comment: Variant summary: USH2A c.4251+1delG is located in a canonical splice-site and is predicted to affect mRNA splicing resulting in a significantly altered protein due to either exon skipping, shortening, or inclusion of intronic material. Several computational tools predict a significant impact on normal splicing: Three predict the variant abolishes a canonical 5' splicing donor site. However, these predictions have yet to be confirmed by functional studies. The variant was absent in 250690 control chromosomes (gnomAD). To our knowledge, no occurrence of c.4251+1delG in individuals affected with Usher Syndrome and no experimental evidence demonstrating its impact on protein function have been reported. Two ClinVar submitters have assessed the variant since 2014: both classified the variant as pathogenic. Based on the evidence outlined above, the variant was classified as likely pathogenic.

DBGen Ocular Genomics
Classification: Pathogenic for Retinitis pigmentosa 39. Last evaluated: 2021-06-23. Review status: criteria provided, single submitter. Criteria: ACMG Guidelines, 2015. Collection method: clinical testing. Allele origin: germline. Affected: yes. Observed: 1 variant allele.

Labcorp Genetics (formerly Invitae), Labcorp
Classification: Pathogenic. Last evaluated: 2020-05-20. Review status: criteria provided, single submitter. Criteria: Invitae Variant Classification Sherloc (09022015). Collection method: clinical testing. Allele origin: germline.
Comment: For these reasons, this variant has been classified as Pathogenic. Loss-of-function variants in USH2A are known to be pathogenic (PMID: 10729113, 10909849, 20507924, 25649381). Algorithms developed to predict the effect of sequence changes on RNA splicing suggest that this variant may create or strengthen a splice site, but this prediction has not been confirmed by published transcriptional studies. This variant has not been reported in the literature in individuals with USH2A-related conditions. This variant is not present in population databases (ExAC no frequency). This sequence change creates a premature translational stop signal (p.Gln1417Hisfs*15) in the USH2A gene. It is expected to result in an absent or disrupted protein product.

Literature cited by the submitters: PubMed 10729113 (cited by Labcorp Genetics (formerly Invitae), Labcorp); PubMed 10909849 (cited by Labcorp Genetics (formerly Invitae), Labcorp); PubMed 20507924 (cited by Labcorp Genetics (formerly Invitae), Labcorp); PubMed 25649381 (cited by Labcorp Genetics (formerly Invitae), Labcorp).